The following is an entry in ClinVar:

NM_001199397.3(NEK1):c.1181_1185del (p.Glu394fs)

Gene: NEK1 (NIMA related kinase 1; minus strand). Cytogenetic location: 4q33.
Variant type: Deletion.
Coding change: c.1181_1185del on transcript NM_001199397.3 (MANE Select); coding-DNA positions 1181 to 1185, 5 bases deleted (AAAAG; older notation c.1181_1185delAAAAG).
Protein change: p.Glu394fs; shifts the reading frame from glutamic acid 394.
Molecular consequence: frameshift variant. On other transcripts: non-coding transcript variant (2), intron variant (2).
Genome position (GRCh38, 1-based): chr4:169,561,693-169,561,697, CTTTT deleted on the plus strand (AAAAG on the coding strand, the reverse complement: NEK1 is on the minus strand); deleting any 5 consecutive bases within chr4:169,561,693-169,561,700 gives the same sequence; the c. name uses the placement nearest the transcript's 3' end. VCF-style (leftmost placement, unchanged base first): chr4-169561692-CCTTTT-C. GRCh37 (hg19) VCF-style: chr4-170482843-CCTTTT-C.
Other names: c.1181_1185del, p.Glu394fs (NM_001199398.3, NM_001199399.3, NM_001199400.3 and 9 more transcripts); c.560_564del, p.Glu187fs (NM_001440624.1, NM_001440625.1); c.1140+135_1140+139del (NM_001374421.1, NM_001374420.1); short protein forms E394fs, E187fs.
Identifiers: ClinVar variation 5006749 (VCV005006749.2).

ClinVar aggregate classification (germline): Likely pathogenic (1 of 4 stars; one submission).

Conditions:
Amyotrophic lateral sclerosis, susceptibility to, 24. Identifiers: MedGen C4693523, MONDO:0054750, OMIM 617892.

Submission:

Juno Genomics, Hangzhou Juno Genomics, Inc
Classification: Likely pathogenic for Amyotrophic lateral sclerosis, susceptibility to, 24. Review status: criteria provided, single submitter. Criteria: ACMG Guidelines, 2015. Collection method: clinical testing. Allele origin: germline.
Comment: Null variant in a gene where loss of function (LOF) is a known mechanism of disease.;Absent from controls (or at extremely low frequency if recessive) in Genome Aggregation Database.